The following is an entry in ClinVar:

NM_001135022.2(ELMOD3):c.950A>C (p.Glu317Ala)

Gene: ELMOD3 (ELMO domain containing 3; plus strand). Cytogenetic location: 2p11.2.
Variant type: single nucleotide variant.
Coding change: c.950A>C on transcript NM_001135022.2 (MANE Select); coding-DNA position 950, A replaced by C.
Protein change: p.Glu317Ala; replaces glutamic acid 317 with alanine.
Molecular consequence: missense variant. On other transcripts: 3 prime UTR variant (1), non-coding transcript variant (3).
Genome position (GRCh38, 1-based): chr2:85,390,766, A>C. VCF-style: chr2-85390766-A-C. GRCh37 (hg19) VCF-style: chr2-85617889-A-C.
Other names: c.950A>C, p.Glu317Ala (NM_001135021.2, NM_001135023.2, NM_001329791.2 and 2 more transcripts); c.*268A>C (NM_032213.5); short protein forms E317A.
Identifiers: ClinVar variation 4979403 (VCV004979403.1).

ClinVar aggregate classification (germline): Uncertain significance (1 of 4 stars; one submission).

Conditions:
ELMOD3-related disorder. Also called: ELMOD3-related condition.

gnomAD v4.1: 2 of 1,550,782 alleles (0.00013%); highest among the groups gnomAD compares: East Asian, 0.0024%; no homozygotes.

Submission:

PreventionGenetics, part of Exact Sciences
Classification: Uncertain significance for ELMOD3-related condition. Last evaluated: 2025-02-05. Review status: criteria provided, single submitter. Criteria: ACMG Guidelines, 2015. Collection method: clinical testing. Allele origin: germline.
Comment: The ELMOD3 c.950A>C variant is predicted to result in the amino acid substitution p.Glu317Ala. To our knowledge, this variant has not been reported in the literature. This variant is reported in 0.0041% of alleles in individuals of Latino descent in gnomAD. At this time, the clinical significance of this variant is uncertain due to the absence of conclusive functional and genetic evidence.